The following is an entry in ClinVar:

ClinVar aggregate classification (germline): Benign/Likely benign. Review status: criteria provided, multiple submitters, no conflicts (2 of 4 stars). 9 submissions from 9 submitters: Benign (4); Likely benign (3). 2 of the submissions do not count toward it. Last evaluated 2026-03-01.

Conditions:
CPT1A-related disorder. Also called: CPT1A-related condition.
Carnitine palmitoyl transferase 1A deficiency. Also called: Carnitine palmitoyltransferase 1A deficiency; Carnitine palmitoyltransferase type I deficiency; CPT deficiency, hepatic, type IA; CPT I DEFICIENCY; CPT DEFICIENCY, HEPATIC, TYPE I. Identifiers: Orphanet 156, MedGen C1829703, MONDO:0009705, OMIM 255120.

Allele frequency attached by ClinVar (database versions not stated): 1000 Genomes Project 0.00080; 1000 Genomes Project 30x 0.00094; TOPMed 0.00427; gnomAD 0.00475 and 0.00501; gnomAD exomes 0.00530 and 0.00725; ESP Exome Variant Server 0.00585; ExAC 0.00586.
gnomAD v4.1: 11,290 of 1,613,936 alleles (0.7%); highest among the groups gnomAD compares: Non-Finnish European, 0.86%; 55 homozygotes.

Submissions (9):

CeGaT Center for Human Genetics Tuebingen
Classification: Likely benign. Last evaluated: 2026-03-01. Review status: criteria provided, single submitter. Criteria: CeGaT Center For Human Genetics Tuebingen Variant Classification Criteria Version 2. Collection method: clinical testing. Allele origin: germline. Affected: yes. Observed: 6 variant alleles.
Comment: CPT1A: PP2, BS2

Labcorp Genetics (formerly Invitae), Labcorp
Classification: Benign for Carnitine palmitoyl transferase 1A deficiency. Last evaluated: 2026-01-28. Review status: criteria provided, single submitter. Criteria: Invitae Variant Classification Sherloc (09022015). Collection method: clinical testing. Allele origin: germline.

Blueprint Genetics
Classification: Likely benign. Last evaluated: 2024-11-25. Review status: criteria provided, single submitter. Criteria: ACMG Guidelines, 2015. Collection method: clinical testing. Allele origin: germline.

Fulgent Genetics
Classification: Likely benign for Carnitine palmitoyl transferase 1A deficiency. Last evaluated: 2021-12-02. Review status: criteria provided, single submitter. Criteria: ACMG Guidelines, 2015. Collection method: clinical testing. Allele origin: unknown.

ARUP Laboratories, Molecular Genetics and Genomics, ARUP Laboratories
Classification: Benign for Carnitine palmitoyl transferase 1A deficiency. Last evaluated: 2021-08-13. Review status: criteria provided, single submitter. Criteria: ARUP Molecular Germline Variant Investigation Process 2021. Collection method: clinical testing. Allele origin: germline.

GeneDx
Classification: Benign. Last evaluated: 2016-11-03. Review status: criteria provided, single submitter. Criteria: GeneDx Variant Classification (06012015). Collection method: clinical testing. Allele origin: germline. Affected: yes.
Comment: This variant is considered likely benign or benign based on one or more of the following criteria: it is a conservative change, it occurs at a poorly conserved position in the protein, it is predicted to be benign by multiple in silico algorithms, and/or has population frequency not consistent with disease.

Breakthrough Genomics
Classification: Benign. Review status: criteria provided, single submitter. Criteria: ACMG Guidelines, 2015. Collection method: not provided. Allele origin: germline. Inheritance: Autosomal recessive inheritance. Affected: yes.

Natera, Inc.
Classification: Benign for Carnitine palmitoyltransferase type I deficiency. Last evaluated: 2020-09-16. Review status: no assertion criteria provided. Collection method: clinical testing. Allele origin: germline. Not counted in ClinVar's aggregate classification.

PreventionGenetics, part of Exact Sciences
Classification: Benign for CPT1A-related condition. Last evaluated: 2020-09-14. Review status: no assertion criteria provided. Collection method: clinical testing. Allele origin: germline. Not counted in ClinVar's aggregate classification.
Comment: This variant is classified as benign based on ACMG/AMP sequence variant interpretation guidelines (Richards et al. 2015 PMID: 25741868, with internal and published modifications).

NM_001876.4(CPT1A):c.863G>A (p.Arg288Gln)

Gene: CPT1A (carnitine palmitoyltransferase 1A; minus strand). Cytogenetic location: 11q13.3.
Variant type: single nucleotide variant.
Coding change: c.863G>A on transcript NM_001876.4 (MANE Select); coding-DNA position 863, G replaced by A.
Protein change: p.Arg288Gln; replaces arginine 288 with glutamine.
Molecular consequence: missense variant.
Genome position (GRCh38, 1-based): chr11:68,794,820, C>T on the plus strand (G>A on the coding strand, the complement: CPT1A is on the minus strand). VCF-style: chr11-68794820-C-T. GRCh37 (hg19) VCF-style: chr11-68562288-C-T.
Other names: c.863G>A, p.Arg288Gln (NM_001031847.3); short protein forms R288Q.
Identifiers: ClinVar variation 203655 (VCV000203655.50), dbSNP rs140958507, ClinGen allele CA312413.